The following is an entry in ClinVar:

ClinVar aggregate classification (germline): Likely pathogenic (1 of 4 stars; one submission).

Submission:

Labcorp Genetics (formerly Invitae), Labcorp
Classification: Likely pathogenic. Last evaluated: 2026-01-18. Review status: criteria provided, single submitter. Criteria: Invitae Variant Classification Sherloc (09022015). Collection method: clinical testing. Allele origin: germline.
Comment: This sequence change affects a splice site in intron 8 of the LZTR1 gene. It is expected to disrupt RNA splicing. Variants that disrupt the donor or acceptor splice site typically lead to a loss of protein function (PMID: 16199547), and loss-of-function variants in LZTR1 are known to be pathogenic (PMID: 24362817, 25335493, 25480913, 25795793, 29469822, 30368668, 30442762, 30442766, 30481304, 30859559). This variant is not present in population databases (gnomAD no frequency). This variant has not been reported in the literature in individuals affected with LZTR1-related conditions. Algorithms developed to predict the effect of sequence changes on RNA splicing suggest that this variant may disrupt the consensus splice site. In summary, the currently available evidence indicates that the variant is pathogenic, but additional data are needed to prove that conclusively. Therefore, this variant has been classified as Likely Pathogenic.

Literature cited by the submitters: PubMed 16199547; PubMed 24362817; PubMed 25335493; PubMed 25480913; PubMed 25795793; PubMed 29469822; PubMed 30368668; PubMed 30442762; PubMed 30442766; PubMed 30481304; PubMed 30859559.

NM_006767.4(LZTR1):c.792-2del

Gene: LZTR1 (leucine zipper like post translational regulator 1; plus strand). Cytogenetic location: 22q11.21.
Variant type: Deletion.
Coding change: c.792-2del on transcript NM_006767.4 (MANE Select); the canonical splice acceptor site of the intron before coding-DNA position 792, one base deleted (A; older notation c.792-2delA).
Molecular consequence: splice acceptor variant.
Genome position (GRCh38, 1-based): chr22:20,991,626, A deleted. VCF-style (leftmost placement, unchanged base first): chr22-20991625-CA-C. GRCh37 (hg19) VCF-style: chr22-21345914-CA-C.
Identifiers: ClinVar variation 4774515 (VCV004774515.1).
Genomic context (GRCh38, chr22:20,991,625, plus strand): 5'-GGAGGCCCCGAGGGTGAGCAGGAGCCCCTGTCCCAGCATTGATTCACTGTTGTGTACCCC[CA>C]GGTGGACACGCATCCCAACTGAACACCTGCTCCGGGGCTCCCCACCACCCCCGCAGCGGC-3'